The following is an entry in ClinVar:

NM_020631.6(PLEKHG5):c.586A>G (p.Ile196Val)

Gene: PLEKHG5 (pleckstrin homology and RhoGEF domain containing G5; minus strand). Cytogenetic location: 1p36.31.
Variant type: single nucleotide variant.
Coding change: c.586A>G on transcript NM_020631.6 (MANE Select); coding-DNA position 586, A replaced by G.
Protein change: p.Ile196Val; replaces isoleucine 196 with valine.
Molecular consequence: missense variant.
Genome position (GRCh38, 1-based): chr1:6,474,018, T>C on the plus strand (A>G on the coding strand, the complement: PLEKHG5 is on the minus strand). VCF-style: chr1-6474018-T-C. GRCh37 (hg19) VCF-style: chr1-6534078-T-C.
Other names: c.697A>G, p.Ile233Val (NM_001042663.3, NM_001265592.2); c.586A>G, p.Ile196Val (NM_001042664.2, NM_001042665.2, NM_001265594.3 and 1 more transcripts); c.793A>G, p.Ile265Val (NM_001265593.2); short protein forms I196V, I265V, I233V.
Identifiers: ClinVar variation 653728 (VCV000653728.8), dbSNP rs1159602956, ClinGen allele CA338138331.

ClinVar aggregate classification (germline): Uncertain significance (1 of 4 stars; one submission).

Conditions:
Neuronopathy, distal hereditary motor, autosomal recessive 4. Also called: NEUROPATHY, DISTAL HEREDITARY MOTOR, AUTOSOMAL RECESSIVE 4; Autosomal recessive lower motor neuron disease with childhood onset. Identifiers: Orphanet 206580, MedGen C1970211, MONDO:0012608, OMIM 611067.
Charcot-Marie-Tooth disease recessive intermediate C. Also called: CHARCOT-MARIE-TOOTH NEUROPATHY, RECESSIVE INTERMEDIATE C. Identifiers: Orphanet 369867, MedGen C3809309, MONDO:0014154, OMIM 615376.

Allele frequency attached by ClinVar (database versions not stated): gnomAD exomes below 0.00001; TOPMed 0.00001.
gnomAD v4.1: 2 of 1,282,522 alleles (0.00016%); highest among the groups gnomAD compares: South Asian, 0.0012%; no homozygotes.

Submission:

Labcorp Genetics (formerly Invitae), Labcorp
Classification: Uncertain significance for Neuronopathy, distal hereditary motor, autosomal recessive 4; Charcot-Marie-Tooth disease recessive intermediate C. Last evaluated: 2018-10-23. Review status: criteria provided, single submitter. Criteria: Invitae Variant Classification Sherloc (09022015). Collection method: clinical testing. Allele origin: germline.
Comment: This sequence change replaces isoleucine with valine at codon 196 of the PLEKHG5 protein (p.Ile196Val). The isoleucine residue is moderately conserved and there is a small physicochemical difference between isoleucine and valine. This variant is not present in population databases (ExAC no frequency). This variant has not been reported in the literature in individuals with PLEKHG5-related disease. Algorithms developed to predict the effect of missense changes on protein structure and function output the following: SIFT: "Tolerated"; PolyPhen-2: "Benign"; Align-GVGD: "Class C0". The valine amino acid residue is found in multiple mammalian species, suggesting that this missense change does not adversely affect protein function. These predictions have not been confirmed by published functional studies and their clinical significance is uncertain. In summary, the available evidence is currently insufficient to determine the role of this variant in disease. Therefore, it has been classified as a Variant of Uncertain Significance.